The following is an entry in ClinVar:

ClinVar aggregate classification (germline): Uncertain significance (1 of 4 stars; one submission).

Submission:

Labcorp Genetics (formerly Invitae), Labcorp
Classification: Uncertain significance. Last evaluated: 2022-10-08. Review status: criteria provided, single submitter. Criteria: Invitae Variant Classification Sherloc (09022015). Collection method: clinical testing. Allele origin: germline.
Comment: Algorithms developed to predict the effect of missense changes on protein structure and function are either unavailable or do not agree on the potential impact of this missense change (SIFT: "Deleterious"; PolyPhen-2: "Possibly Damaging"; Align-GVGD: "Class C0"). In summary, the available evidence is currently insufficient to determine the role of this variant in disease. Therefore, it has been classified as a Variant of Uncertain Significance. ClinVar contains an entry for this variant (Variation ID: 1385527). This variant has not been reported in the literature in individuals affected with CARD8-related conditions. This variant is not present in population databases (gnomAD no frequency). This sequence change replaces proline, which is neutral and non-polar, with threonine, which is neutral and polar, at codon 236 of the CARD8 protein (p.Pro236Thr).

NM_001184900.3(CARD8):c.856C>A (p.Pro286Thr)

Gene: CARD8 (caspase recruitment domain family member 8; minus strand). Cytogenetic location: 19q13.33.
Variant type: single nucleotide variant.
Coding change: c.856C>A on transcript NM_001184900.3 (MANE Select); coding-DNA position 856, C replaced by A.
Protein change: p.Pro286Thr; replaces proline 286 with threonine.
Molecular consequence: missense variant. On other transcripts: non-coding transcript variant (4).
Genome position (GRCh38, 1-based): chr19:48,230,617, G>T on the plus strand (C>A on the coding strand, the complement: CARD8 is on the minus strand). VCF-style: chr19-48230617-G-T. GRCh37 (hg19) VCF-style: chr19-48733874-G-T.
Other names: c.706C>A, p.Pro236Thr (NM_001184901.1, NM_001351783.2, NM_001351788.2 and 2 more transcripts); c.856C>A, p.Pro286Thr (NM_001184902.2, NM_001184903.1, NM_001351782.2); c.541C>A, p.Pro181Thr (NM_001351784.2, NM_001351787.2, NM_001351791.2 and 1 more transcripts); c.520C>A, p.Pro174Thr (NM_001351786.2); c.613C>A, p.Pro205Thr (NM_001351790.2); c.538C>A, p.Pro180Thr (NM_001365950.1); short protein forms P181T, P236T, P286T, P174T, P205T, P180T.
Identifiers: ClinVar variation 1385527 (VCV001385527.8), dbSNP rs2146192734, ClinGen allele CA406643981.